The following is an entry in ClinVar:

ClinVar aggregate classification (germline): Pathogenic. Review status: criteria provided, multiple submitters, no conflicts (2 of 4 stars). 2 submissions from 2 submitters: Pathogenic (2). Last evaluated 2026-04-14.

Conditions:
Familial intrahepatic cholestasis. Identifiers: Orphanet 284385, MedGen CN296401, MONDO:0017290.

Submissions (2):

Genomenon, Inc
Classification: Pathogenic for Familial intrahepatic cholestasis. Last evaluated: 2026-04-14. Review status: criteria provided, single submitter. Criteria: Genomenon Sequence Variant Interpretation Standards - Updated. Collection method: curation. Allele origin: germline. Affected: yes.
Comment: ABCB11 c.2178+1G>C is a canonical splice variant affecting the donor splice site of intron 18. It is predicted to affect mRNA splicing, leading to a deleterious effect on the ABCB11 protein. This variant has been observed in at least one proband with an ABCB11-related disorder (PMID:37361697;35780807;28838453;18395098). It is absent or not present at a significant frequency in gnomAD. In conclusion, we classify ABCB11 c.2178+1G>C as a pathogenic variant.

Labcorp Genetics (formerly Invitae), Labcorp
Classification: Pathogenic. Last evaluated: 2020-09-17. Review status: criteria provided, single submitter. Criteria: Invitae Variant Classification Sherloc (09022015). Collection method: clinical testing. Allele origin: germline.
Comment: Donor and acceptor splice site variants typically lead to a loss of protein function (PMID: 16199547), and loss-of-function variants in ABCB11 are known to be pathogenic (PMID: 18395098, 20232290). For these reasons, this variant has been classified as Pathogenic. Algorithms developed to predict the effect of sequence changes on RNA splicing suggest that this variant may disrupt the consensus splice site, but this prediction has not been confirmed by published transcriptional studies. Disruption of this splice site has been observed in individual(s) with progressive familial intrahepatic cholestasis (PMID: 18395098). This variant is not present in population databases (ExAC no frequency). This sequence change affects a donor splice site in intron 18 of the ABCB11 gene. It is expected to disrupt RNA splicing and likely results in an absent or disrupted protein product.

Literature cited by the submitters: PubMed 37361697 (cited by Genomenon, Inc); PubMed 35780807 (cited by Genomenon, Inc); PubMed 28838453 (cited by Genomenon, Inc); PubMed 18395098 (cited by Genomenon, Inc and Labcorp Genetics (formerly Invitae), Labcorp); PubMed 16199547 (cited by Labcorp Genetics (formerly Invitae), Labcorp); PubMed 20232290 (cited by Labcorp Genetics (formerly Invitae), Labcorp).

NM_003742.4(ABCB11):c.2178+1G>C

Gene: ABCB11 (ATP binding cassette subfamily B member 11; minus strand). Cytogenetic location: 2q31.1.
Variant type: single nucleotide variant.
Coding change: c.2178+1G>C on transcript NM_003742.4 (MANE Select); the canonical splice donor site of the intron after coding-DNA position 2178, G replaced by C.
Molecular consequence: splice donor variant.
Genome position (GRCh38, 1-based): chr2:168,964,205, C>G on the plus strand (G>C on the coding strand, the complement: ABCB11 is on the minus strand). VCF-style: chr2-168964205-C-G. GRCh37 (hg19) VCF-style: chr2-169820715-C-G.
Identifiers: ClinVar variation 1074827 (VCV001074827.10), dbSNP rs1459273753, ClinGen allele CA349108983.
Genomic context (GRCh38, chr2:168,964,205, plus strand): 5'-TACCCAACAGTCCCCAGGAGAGACTTCTTCCATTCCCCCCCATAAGCAGTTGGTGCCTGA[C>G]CTTTCTATCTTCTTCATAGGTAGACTTATGATCTACAACAGCTAATGGAGGTTCGTGCAC-3'